The following is an entry in ClinVar:

NM_000789.4(ACE):c.605C>T (p.Pro202Leu)

Gene: ACE (angiotensin I converting enzyme; plus strand). Cytogenetic location: 17q23.3.
Variant type: single nucleotide variant.
Coding change: c.605C>T on transcript NM_000789.4 (MANE Select); coding-DNA position 605, C replaced by T.
Protein change: p.Pro202Leu; replaces proline 202 with leucine.
Molecular consequence: missense variant. On other transcripts: intron variant (2).
Genome position (GRCh38, 1-based): chr17:63,479,862, C>T. VCF-style: chr17-63479862-C-T. GRCh37 (hg19) VCF-style: chr17-61557223-C-T.
Other names: c.-197-475C>T (NM_001382701.1); c.183-475C>T (NM_001382700.1); c.605C>T (NM_000789.3); short protein forms P202L.
Identifiers: ClinVar variation 2042884 (VCV002042884.7), dbSNP rs148460287, ClinGen allele CA8699153.

ClinVar aggregate classification (germline): Conflicting classifications of pathogenicity. Review status: criteria provided, conflicting classifications (1 of 4 stars). 4 submissions from 4 submitters: Uncertain significance (2); Likely benign (2). Last evaluated 2026-01-25.

Conditions:
ACE-related disorder. Also called: ACE-related condition; ACE-related disorders.

Allele frequency attached by ClinVar (database versions not stated): 1000 Genomes Project 0.00020; 1000 Genomes Project 30x 0.00047; ExAC 0.00047; gnomAD 0.00121; ESP Exome Variant Server 0.00131; TOPMed 0.00134.

Submissions (4):

Labcorp Genetics (formerly Invitae), Labcorp
Classification: Likely benign. Last evaluated: 2026-01-25. Review status: criteria provided, single submitter. Criteria: Invitae Variant Classification Sherloc (09022015). Collection method: clinical testing. Allele origin: germline.

PreventionGenetics, part of Exact Sciences
Classification: Likely benign for ACE-related condition. Last evaluated: 2025-09-19. Review status: criteria provided, single submitter. Criteria: ACMG Guidelines, 2015. Collection method: clinical testing. Allele origin: germline.
Comment: This variant is classified as likely benign based on ACMG/AMP sequence variant interpretation guidelines (Richards et al. 2015 PMID: 25741868, with internal and published modifications).

GeneDx
Classification: Uncertain significance. Last evaluated: 2024-11-16. Review status: criteria provided, single submitter. Criteria: GeneDx Variant Classification Process June 2021. Collection method: clinical testing. Allele origin: germline. Affected: yes.
Comment: In silico analysis supports that this missense variant has a deleterious effect on protein structure/function; Has not been previously published as pathogenic or benign to our knowledge

Blueprint Genetics
Classification: Uncertain significance. Last evaluated: 2024-05-02. Review status: criteria provided, single submitter. Criteria: ACMG Guidelines, 2015. Collection method: clinical testing. Allele origin: germline.